The following is an entry in ClinVar:

NM_145064.3(STAC3):c.517C>T (p.Arg173Cys)

Gene: STAC3 (SH3 and cysteine rich domain 3; minus strand). Cytogenetic location: 12q13.3.
Variant type: single nucleotide variant.
Coding change: c.517C>T on transcript NM_145064.3 (MANE Select); coding-DNA position 517, C replaced by T.
Protein change: p.Arg173Cys; replaces arginine 173 with cysteine.
Molecular consequence: missense variant. On other transcripts: 5 prime UTR variant (1), non-coding transcript variant (1).
Genome position (GRCh38, 1-based): chr12:57,246,890, G>A on the plus strand (C>T on the coding strand, the complement: STAC3 is on the minus strand). VCF-style: chr12-57246890-G-A. GRCh37 (hg19) VCF-style: chr12-57640673-G-A.
Other names: c.400C>T, p.Arg134Cys (NM_001286256.2); c.-42C>T (NM_001286257.2); short protein forms R134C, R173C.
Identifiers: ClinVar variation 839245 (VCV000839245.8), dbSNP rs1404488985, ClinGen allele CA385413825.
Genomic context (GRCh38, chr12:57,246,890, plus strand): 5'-TCCGTTCCTTGTTTGCCATGATCACCCCAGTGCGCAGGGTTTCAAACACAGGATCATTGC[G>A]ATTGGCAGCAGCTAATCGAATGGGAGGAGAAAGAAGACATTATTGGGAAGGCAGAGAAAG-3'
Protein context (NP_659501.1, residues 163-183): ACVKDLSAAN[Arg173Cys]NDPVFETLRT

ClinVar aggregate classification (germline): Uncertain significance. Review status: criteria provided, multiple submitters, no conflicts (2 of 4 stars). 2 submissions from 2 submitters: Uncertain significance (2). Last evaluated 2024-01-08.

Conditions:
Bailey-Bloch congenital myopathy (CMYO13). Also called: Congenital myopathy 13; Native American myopathy; STAC3 disorder. Identifiers: Orphanet 168572, MedGen C1850625, MONDO:0009722, OMIM 255995.

Allele frequency attached by ClinVar (database versions not stated): gnomAD 0.00001; gnomAD exomes 0.00001; TOPMed 0.00001.
gnomAD v4.1: 22 of 1,613,542 alleles (0.0014%); highest among the groups gnomAD compares: East Asian, 0.0022%; no homozygotes.

Submissions (2):

Labcorp Genetics (formerly Invitae), Labcorp
Classification: Uncertain significance for Bailey-Bloch congenital myopathy. Last evaluated: 2024-01-08. Review status: criteria provided, single submitter. Criteria: Invitae Variant Classification Sherloc (09022015). Collection method: clinical testing. Allele origin: germline.
Comment: This sequence change replaces arginine, which is basic and polar, with cysteine, which is neutral and slightly polar, at codon 173 of the STAC3 protein (p.Arg173Cys). This variant is present in population databases (no rsID available, gnomAD 0.0009%). This variant has not been reported in the literature in individuals affected with STAC3-related conditions. ClinVar contains an entry for this variant (Variation ID: 839245). Advanced modeling of protein sequence and biophysical properties (such as structural, functional, and spatial information, amino acid conservation, physicochemical variation, residue mobility, and thermodynamic stability) has been performed at Invitae for this missense variant, however the output from this modeling did not meet the statistical confidence thresholds required to predict the impact of this variant on STAC3 protein function. In summary, the available evidence is currently insufficient to determine the role of this variant in disease. Therefore, it has been classified as a Variant of Uncertain Significance.

Revvity Omics, Revvity
Classification: Uncertain significance for Bailey-Bloch congenital myopathy. Last evaluated: 2022-11-24. Review status: criteria provided, single submitter. Criteria: ACMG Guidelines, 2015. Collection method: clinical testing. Allele origin: germline.